The following is an entry in ClinVar:

NM_004364.5(CEBPA):c.791G>A (p.Arg264His)

Gene: CEBPA (CCAAT enhancer binding protein alpha; minus strand). Cytogenetic location: 19q13.11.
Variant type: single nucleotide variant.
Coding change: c.791G>A on transcript NM_004364.5 (MANE Select); coding-DNA position 791, G replaced by A.
Protein change: p.Arg264His; replaces arginine 264 with histidine.
Molecular consequence: missense variant.
Genome position (GRCh38, 1-based): chr19:33,301,624, C>T on the plus strand (G>A on the coding strand, the complement: CEBPA is on the minus strand). VCF-style: chr19-33301624-C-T. GRCh37 (hg19) VCF-style: chr19-33792530-C-T.
Other names: c.434G>A, p.Arg145His (NM_001285829.2); c.896G>A, p.Arg299His (NM_001287424.2); c.749G>A, p.Arg250His (NM_001287435.2); short protein forms R250H, R145H, R264H, R299H.
Identifiers: ClinVar variation 2763304 (VCV002763304.4), dbSNP rs1294426980, ClinGen allele CA405274206.
Genomic context (GRCh38, chr19:33,301,624, plus strand): 5'-TCGTTGCTGTTCTTGTCCACCGACTTCTTGGCCTTGCCCGCGCCGCTGCCGCCACTCGCG[C>T]GGAGGTCGGGGTGCGCGGCGCCCAGCCCCTTGAGCGCGCTGCCAGGGCCCGGCAGGCCGG-3'
Protein context (NP_004355.2, residues 254-274): KGLGAAHPDL[Arg264His]ASGGSGAGKA

ClinVar aggregate classification (germline): Uncertain significance. Review status: criteria provided, multiple submitters, no conflicts (2 of 4 stars). 2 submissions from 2 submitters: Uncertain significance (2). Last evaluated 2025-04-18.

Conditions:
Acute myeloid leukemia (AML). Also called: Acute myeloid leukemia, adult; AML adult; Acute non-lymphocytic leukemia; Acute granulocytic leukemia; Leukemia, acute myeloid, somatic; Leukemia, acute myelogenous, somatic. Identifiers: Orphanet 519, MedGen C0023467, MeSH D015470, MONDO:0018874, OMIM 601626, HP:0004808. Disease mechanism: Constitutively activated FLT3.
Inborn genetic diseases. Identifiers: MedGen C0950123, MeSH D030342.

Submissions (2):

Ambry Genetics
Classification: Uncertain significance for Inborn genetic diseases. Last evaluated: 2025-04-18. Review status: criteria provided, single submitter. Criteria: Ambry Variant Classification Scheme 2023. Collection method: clinical testing. Allele origin: germline.
Comment: The p.R264H variant (also known as c.791G>A), located in coding exon 1 of the CEBPA gene, results from a G to A substitution at nucleotide position 791. The arginine at codon 264 is replaced by histidine, an amino acid with highly similar properties. This amino acid position is conserved. In addition, this alteration is predicted to be tolerated by in silico analysis. Based on the available evidence, the clinical significance of this variant remains unclear.

Labcorp Genetics (formerly Invitae), Labcorp
Classification: Uncertain significance for Acute myeloid leukemia. Last evaluated: 2023-09-25. Review status: criteria provided, single submitter. Criteria: Invitae Variant Classification Sherloc (09022015). Collection method: clinical testing. Allele origin: germline.
Comment: This sequence change replaces arginine, which is basic and polar, with histidine, which is basic and polar, at codon 264 of the CEBPA protein (p.Arg264His). This variant is not present in population databases (gnomAD no frequency). This variant has not been reported in the literature in individuals affected with CEBPA-related conditions. Advanced modeling of protein sequence and biophysical properties (such as structural, functional, and spatial information, amino acid conservation, physicochemical variation, residue mobility, and thermodynamic stability) performed at Invitae indicates that this missense variant is not expected to disrupt CEBPA protein function. In summary, the available evidence is currently insufficient to determine the role of this variant in disease. Therefore, it has been classified as a Variant of Uncertain Significance.